The following is an entry in ClinVar:

ClinVar aggregate classification (germline): Uncertain significance (1 of 4 stars; one submission).

Submission:

Labcorp Genetics (formerly Invitae), Labcorp
Classification: Uncertain significance. Last evaluated: 2022-06-20. Review status: criteria provided, single submitter. Criteria: Invitae Variant Classification Sherloc (09022015). Collection method: clinical testing. Allele origin: germline.
Comment: Algorithms developed to predict the effect of missense changes on protein structure and function (SIFT, PolyPhen-2, Align-GVGD) all suggest that this variant is likely to be tolerated. In summary, the available evidence is currently insufficient to determine the role of this variant in disease. Therefore, it has been classified as a Variant of Uncertain Significance. This sequence change replaces glutamine, which is neutral and polar, with proline, which is neutral and non-polar, at codon 707 of the AGBL5 protein (p.Gln707Pro). This variant is not present in population databases (gnomAD no frequency). This variant has not been reported in the literature in individuals affected with AGBL5-related conditions.

NM_021831.6(AGBL5):c.2120A>C (p.Gln707Pro)

Gene: AGBL5 (AGBL carboxypeptidase 5; plus strand). Cytogenetic location: 2p23.3.
Variant type: single nucleotide variant.
Coding change: c.2120A>C on transcript NM_021831.6 (MANE Select); coding-DNA position 2120, A replaced by C.
Protein change: p.Gln707Pro; replaces glutamine 707 with proline.
Molecular consequence: missense variant. On other transcripts: non-coding transcript variant (2).
Genome position (GRCh38, 1-based): chr2:27,067,524, A>C. VCF-style: chr2-27067524-A-C. GRCh37 (hg19) VCF-style: chr2-27290392-A-C.
Other names: c.2120A>C, p.Gln707Pro (NM_001035506.1); short protein forms Q707P.
Identifiers: ClinVar variation 2131025 (VCV002131025.4), dbSNP rs2465544742, ClinGen allele CA346140725.